The following is an entry in ClinVar:

ClinVar aggregate classification (germline): Uncertain significance. Review status: criteria provided, multiple submitters, no conflicts (2 of 4 stars). 2 submissions from 2 submitters: Uncertain significance (2). Last evaluated 2026-07-28.

Conditions:
SLITRK6-related disorder. Also called: SLITRK6-related condition.
Inborn genetic diseases. Identifiers: MedGen C0950123, MeSH D030342.

Allele frequency attached by ClinVar (database versions not stated): gnomAD exomes 0.00001; ExAC 0.00002.
gnomAD v4.1: 17 of 1,612,400 alleles (0.0011%); highest among the groups gnomAD compares: Admixed American, 0.0034%; no homozygotes.

Submissions (2):

PreventionGenetics, part of Exact Sciences
Classification: Uncertain significance for SLITRK6-related condition. Last evaluated: 2026-07-28. Review status: criteria provided, single submitter. Criteria: ACMG Guidelines, 2015. Collection method: clinical testing. Allele origin: germline.
Comment: The SLITRK6 c.395T>G variant is predicted to result in the amino acid substitution p.Phe132Cys. To our knowledge, this variant has not been reported in the literature. This variant is reported in 0.0036% of alleles in individuals of European (Non-Finnish) descent in gnomAD. At this time, the clinical significance of this variant is uncertain due to the absence of conclusive functional and genetic evidence.

Ambry Genetics
Classification: Uncertain significance for Inborn genetic diseases. Last evaluated: 2022-06-29. Review status: criteria provided, single submitter. Criteria: Ambry Variant Classification Scheme 2023. Collection method: clinical testing. Allele origin: germline.

NM_032229.3(SLITRK6):c.395T>G (p.Phe132Cys)

Gene: SLITRK6 (SLIT and NTRK like family member 6; minus strand). Cytogenetic location: 13q31.1.
Variant type: single nucleotide variant.
Coding change: c.395T>G on transcript NM_032229.3 (MANE Select); coding-DNA position 395, T replaced by G.
Protein change: p.Phe132Cys; replaces phenylalanine 132 with cysteine.
Molecular consequence: missense variant.
Genome position (GRCh38, 1-based): chr13:85,796,114, A>C on the plus strand (T>G on the coding strand, the complement: SLITRK6 is on the minus strand). VCF-style: chr13-85796114-A-C. GRCh37 (hg19) VCF-style: chr13-86370249-A-C.
Other names: short protein forms F132C.
Identifiers: ClinVar variation 2299045 (VCV002299045.3), dbSNP rs751894212, ClinGen allele CA7015281.